The following is an entry in ClinVar:

ClinVar aggregate classification (germline): Uncertain significance (1 of 4 stars; one submission).

Allele frequency attached by ClinVar (database versions not stated): ExAC 0.00001.

Submission:

GeneDx
Classification: Uncertain significance. Last evaluated: 2022-05-06. Review status: criteria provided, single submitter. Criteria: GeneDx Variant Classification Process June 2021. Collection method: clinical testing. Allele origin: germline. Affected: yes.
Comment: In silico analysis supports that this missense variant has a deleterious effect on protein structure/function; Has not been previously published as pathogenic or benign to our knowledge

NM_003482.4(KMT2D):c.7995G>T (p.Gln2665His)

Gene: KMT2D (lysine methyltransferase 2D; minus strand). Cytogenetic location: 12q13.12.
Variant type: single nucleotide variant.
Coding change: c.7995G>T on transcript NM_003482.4 (MANE Select); coding-DNA position 7995, G replaced by T.
Protein change: p.Gln2665His; replaces glutamine 2665 with histidine.
Molecular consequence: missense variant.
Genome position (GRCh38, 1-based): chr12:49,039,775, C>A on the plus strand (G>T on the coding strand, the complement: KMT2D is on the minus strand). VCF-style: chr12-49039775-C-A. GRCh37 (hg19) VCF-style: chr12-49433558-C-A.
Other names: short protein forms Q2665H.
Identifiers: ClinVar variation 1722815 (VCV001722815.2), dbSNP rs774371343, ClinGen allele CA6546957.